The following is an entry in ClinVar:

ClinVar aggregate classification (germline): Uncertain significance (1 of 4 stars; one submission).

gnomAD v4.1: 1 of 1,613,618 alleles (0.000062%); highest among the groups gnomAD compares: Non-Finnish European, 0.000085%; no homozygotes.

Submission:

Labcorp Genetics (formerly Invitae), Labcorp
Classification: Uncertain significance. Last evaluated: 2022-08-18. Review status: criteria provided, single submitter. Criteria: Invitae Variant Classification Sherloc (09022015). Collection method: clinical testing. Allele origin: germline.
Comment: This sequence change replaces arginine, which is basic and polar, with lysine, which is basic and polar, at codon 1651 of the POLE protein (p.Arg1651Lys). This variant also falls at the last nucleotide of exon 37, which is part of the consensus splice site for this exon. In summary, the available evidence is currently insufficient to determine the role of this variant in disease. Therefore, it has been classified as a Variant of Uncertain Significance. Variants that disrupt the consensus splice site are a relatively common cause of aberrant splicing (PMID: 17576681, 9536098). Algorithms developed to predict the effect of missense changes on protein structure and function are either unavailable or do not agree on the potential impact of this missense change (SIFT: "Tolerated"; PolyPhen-2: "Possibly Damaging"; Align-GVGD: "Class C0"). This variant has not been reported in the literature in individuals affected with POLE-related conditions. This variant is not present in population databases (gnomAD no frequency).

Literature cited by the submitters: PubMed 17576681; PubMed 9536098.

NM_006231.4(POLE):c.4952G>A (p.Arg1651Lys)

Gene: POLE (DNA polymerase epsilon, catalytic subunit; minus strand). Cytogenetic location: 12q24.33.
Variant type: single nucleotide variant.
Coding change: c.4952G>A on transcript NM_006231.4 (MANE Select); coding-DNA position 4952, G replaced by A.
Protein change: p.Arg1651Lys; replaces arginine 1651 with lysine.
Molecular consequence: missense variant.
Genome position (GRCh38, 1-based): chr12:132,642,506, C>T on the plus strand (G>A on the coding strand, the complement: POLE is on the minus strand). VCF-style: chr12-132642506-C-T. GRCh37 (hg19) VCF-style: chr12-133219092-C-T.
Other names: short protein forms R1651K.
Identifiers: ClinVar variation 2024567 (VCV002024567.4), dbSNP rs2541885293, ClinGen allele CA387377802.